The following is an entry in ClinVar:

ClinVar aggregate classification (germline): Likely benign. Review status: criteria provided, multiple submitters, no conflicts (2 of 4 stars). 4 submissions from 4 submitters: Likely benign (4). Last evaluated 2024-10-22.

Allele frequency attached by ClinVar (database versions not stated): 1000 Genomes Project 30x 0.00016; ExAC 0.00017; gnomAD exomes 0.00017; TOPMed 0.00019; 1000 Genomes Project 0.00020; gnomAD 0.00025 and 0.00026.

Submissions (4):

Blueprint Genetics
Classification: Likely benign. Last evaluated: 2024-10-22. Review status: criteria provided, single submitter. Criteria: ACMG Guidelines, 2015. Collection method: clinical testing. Allele origin: germline.

Labcorp Genetics (formerly Invitae), Labcorp
Classification: Likely benign. Last evaluated: 2024-04-18. Review status: criteria provided, single submitter. Criteria: Invitae Variant Classification Sherloc (09022015). Collection method: clinical testing. Allele origin: germline.

CeGaT Center for Human Genetics Tuebingen
Classification: Likely benign. Last evaluated: 2022-03-01. Review status: criteria provided, single submitter. Criteria: CeGaT Center For Human Genetics Tuebingen Variant Classification Criteria Version 2. Collection method: clinical testing. Allele origin: germline. Affected: yes. Observed: 2 variant alleles.
Comment: TMEM240: BP4, BP7

Breakthrough Genomics
Classification: Likely benign. Review status: criteria provided, single submitter. Criteria: ACMG Guidelines, 2015. Collection method: not provided. Allele origin: germline. Inheritance: Autosomal dominant inheritance. Affected: yes.

NM_001114748.2(TMEM240):c.432G>A (p.Pro144=)

Gene: TMEM240 (transmembrane protein 240; minus strand). Cytogenetic location: 1p36.33.
Variant type: single nucleotide variant.
Coding change: c.432G>A on transcript NM_001114748.2 (MANE Select); coding-DNA position 432, G replaced by A.
Protein change: p.Pro144=; no amino-acid change (proline 144 retained).
Molecular consequence: synonymous variant.
Genome position (GRCh38, 1-based): chr1:1,535,449, C>T on the plus strand (G>A on the coding strand, the complement: TMEM240 is on the minus strand). VCF-style: chr1-1535449-C-T. GRCh37 (hg19) VCF-style: chr1-1470829-C-T.
Identifiers: ClinVar variation 717536 (VCV000717536.50), dbSNP rs566100696, ClinGen allele CA526637.